The following is an entry in ClinVar:

NM_001370259.2(MEN1):c.1436G>C (p.Arg479Pro)

Gene: MEN1 (menin 1; minus strand). Cytogenetic location: 11q13.1.
Variant type: single nucleotide variant.
Coding change: c.1436G>C on transcript NM_001370259.2 (MANE Select); coding-DNA position 1436, G replaced by C.
Protein change: p.Arg479Pro; replaces arginine 479 with proline.
Molecular consequence: missense variant.
Genome position (GRCh38, 1-based): chr11:64,804,731, C>G on the plus strand (G>C on the coding strand, the complement: MEN1 is on the minus strand). VCF-style: chr11-64804731-C-G. GRCh37 (hg19) VCF-style: chr11-64572203-C-G.
Other names: c.1451G>C, p.Arg484Pro (NM_000244.4, NM_130800.3, NM_130801.3 and 3 more transcripts); c.1562G>C, p.Arg521Pro (NM_001370251.2); c.1436G>C, p.Arg479Pro (NM_001370260.2, NM_001370261.2, NM_130799.3); c.1331G>C, p.Arg444Pro (NM_001370262.2, NM_001370263.2); short protein forms R479P, R484P, R521P, R444P.
Identifiers: ClinVar variation 457299 (VCV000457299.9), dbSNP rs1555163716, ClinGen allele CA381179331.

ClinVar aggregate classification (germline): Uncertain significance. Review status: criteria provided, multiple submitters, no conflicts (2 of 4 stars). 2 submissions from 2 submitters: Uncertain significance (2). Last evaluated 2025-02-10.

Conditions:
Hereditary cancer-predisposing syndrome. Also called: Hereditary Cancer Syndrome; Hereditary neoplastic syndrome; Tumor predisposition; Neoplastic Syndromes, Hereditary. Identifiers: Orphanet 140162, MedGen C0027672, MeSH D009386, MONDO:0015356.
Multiple endocrine neoplasia, type 1 (MEN1). Also called: MEN I; WERMER SYNDROME; Endocrine adenomatosis multiple; MEN 1; MEA I. Identifiers: Orphanet 652, MedGen C0025267, MeSH D018761, MONDO:0007540, OMIM 131100.

Submissions (2):

Ambry Genetics
Classification: Uncertain significance for Hereditary cancer-predisposing syndrome. Last evaluated: 2025-02-10. Review status: criteria provided, single submitter. Criteria: Ambry Variant Classification Scheme 2023. Collection method: clinical testing. Allele origin: germline.
Comment: The p.R479P variant (also known as c.1436G>C), located in coding exon 9 of the MEN1 gene, results from a G to C substitution at nucleotide position 1436. The arginine at codon 479 is replaced by proline, an amino acid with dissimilar properties. This amino acid position is highly conserved in available vertebrate species. In addition, the in silico prediction for this alteration is inconclusive. Based on the available evidence, the clinical significance of this variant remains unclear.

Labcorp Genetics (formerly Invitae), Labcorp
Classification: Uncertain significance for Multiple endocrine neoplasia, type 1. Last evaluated: 2023-11-30. Review status: criteria provided, single submitter. Criteria: Invitae Variant Classification Sherloc (09022015). Collection method: clinical testing. Allele origin: germline.
Comment: This sequence change replaces arginine, which is basic and polar, with proline, which is neutral and non-polar, at codon 479 of the MEN1 protein (p.Arg479Pro). This variant is not present in population databases (gnomAD no frequency). This variant has not been reported in the literature in individuals affected with MEN1-related conditions. ClinVar contains an entry for this variant (Variation ID: 457299). Advanced modeling of protein sequence and biophysical properties (such as structural, functional, and spatial information, amino acid conservation, physicochemical variation, residue mobility, and thermodynamic stability) performed at Invitae indicates that this missense variant is expected to disrupt MEN1 protein function with a positive predictive value of 95%. In summary, the available evidence is currently insufficient to determine the role of this variant in disease. Therefore, it has been classified as a Variant of Uncertain Significance.